The following is an entry in ClinVar:

NM_000124.4(ERCC6):c.3052del (p.Thr1018fs)

Gene: ERCC6 (ERCC excision repair 6, chromatin remodeling factor; minus strand). Cytogenetic location: 10q11.23.
Variant type: Deletion.
Coding change: c.3052del on transcript NM_000124.4 (MANE Select); coding-DNA position 3052, one base deleted (A; older notation c.3052delA).
Protein change: p.Thr1018fs; shifts the reading frame from threonine 1018.
Molecular consequence: frameshift variant.
Genome position (GRCh38, 1-based): chr10:49,470,993, T deleted on the plus strand (A on the coding strand, the reverse complement: ERCC6 is on the minus strand); the first of 3 consecutive T bases (chr10:49,470,993-49,470,995); deleting any one gives the same sequence. VCF-style (leftmost placement, unchanged base first): chr10-49470992-GT-G. GRCh37 (hg19) VCF-style: chr10-50679038-GT-G.
Other names: c.3052del, p.Thr1018fs (NM_001346440.2); short protein forms T1018fs.
Identifiers: ClinVar variation 1404986 (VCV001404986.6), dbSNP rs2132537968, ClinGen allele CA2573145165.

ClinVar aggregate classification (germline): Pathogenic (1 of 4 stars; one submission).

Submission:

Labcorp Genetics (formerly Invitae), Labcorp
Classification: Pathogenic. Last evaluated: 2023-12-06. Review status: criteria provided, single submitter. Criteria: Invitae Variant Classification Sherloc (09022015). Collection method: clinical testing. Allele origin: germline.
Comment: This sequence change creates a premature translational stop signal (p.Thr1018Glnfs*19) in the ERCC6 gene. It is expected to result in an absent or disrupted protein product. Loss-of-function variants in ERCC6 are known to be pathogenic (PMID: 18628313, 29572252). This variant is not present in population databases (gnomAD no frequency). This variant has not been reported in the literature in individuals affected with ERCC6-related conditions. ClinVar contains an entry for this variant (Variation ID: 1404986). For these reasons, this variant has been classified as Pathogenic.

Literature cited by the submitters: PubMed 18628313; PubMed 29572252.